The following is an entry in ClinVar:

NM_001371928.1(AHDC1):c.1109C>T (p.Pro370Leu)

Gene: AHDC1 (AT-hook DNA binding motif containing 1; minus strand). Cytogenetic location: 1p36.11.
Variant type: single nucleotide variant.
Coding change: c.1109C>T on transcript NM_001371928.1 (MANE Select); coding-DNA position 1109, C replaced by T.
Protein change: p.Pro370Leu; replaces proline 370 with leucine.
Molecular consequence: missense variant.
Genome position (GRCh38, 1-based): chr1:27,551,007, G>A on the plus strand (C>T on the coding strand, the complement: AHDC1 is on the minus strand). VCF-style: chr1-27551007-G-A. GRCh37 (hg19) VCF-style: chr1-27877518-G-A.
Other names: c.1109C>T, p.Pro370Leu (NM_001029882.3); c.1109C>T (NM_001029882.2); short protein forms P370L.
Identifiers: ClinVar variation 2140204 (VCV002140204.4), dbSNP rs754364756, ClinGen allele CA716022.

ClinVar aggregate classification (germline): Conflicting classifications of pathogenicity. Review status: criteria provided, conflicting classifications (1 of 4 stars). 2 submissions from 2 submitters: Uncertain significance (1); Likely benign (1). Last evaluated 2025-05-06.

Conditions:
Inborn genetic diseases. Identifiers: MedGen C0950123, MeSH D030342.

Allele frequency attached by ClinVar (database versions not stated): gnomAD exomes 0.00004; TOPMed 0.00005; gnomAD 0.00002; ExAC 0.00007.
gnomAD v4.1: 58 of 1,571,406 alleles (0.0037%); highest among the groups gnomAD compares: East Asian, 0.0091%; no homozygotes.

Submissions (2):

Ambry Genetics
Classification: Likely benign for Inborn genetic diseases. Last evaluated: 2025-05-06. Review status: criteria provided, single submitter. Criteria: Ambry Variant Classification Scheme 2023. Collection method: clinical testing. Allele origin: germline.

Labcorp Genetics (formerly Invitae), Labcorp
Classification: Uncertain significance. Last evaluated: 2022-02-22. Review status: criteria provided, single submitter. Criteria: Invitae Variant Classification Sherloc (09022015). Collection method: clinical testing. Allele origin: germline.
Comment: This sequence change replaces proline, which is neutral and non-polar, with leucine, which is neutral and non-polar, at codon 370 of the AHDC1 protein (p.Pro370Leu). This variant is present in population databases (rs754364756, gnomAD 0.03%). This variant has not been reported in the literature in individuals affected with AHDC1-related conditions. Algorithms developed to predict the effect of missense changes on protein structure and function are either unavailable or do not agree on the potential impact of this missense change (SIFT: "Deleterious"; PolyPhen-2: "Possibly Damaging"; Align-GVGD: "Class C0"). In summary, the available evidence is currently insufficient to determine the role of this variant in disease. Therefore, it has been classified as a Variant of Uncertain Significance.